The following is an entry in ClinVar:

NM_005235.3(ERBB4):c.2031G>A (p.Arg677=)

Gene: ERBB4 (erb-b2 receptor tyrosine kinase 4; minus strand). Cytogenetic location: 2q34.
Variant type: single nucleotide variant.
Coding change: c.2031G>A on transcript NM_005235.3 (MANE Select); coding-DNA position 2031, G replaced by A.
Protein change: p.Arg677=; no amino-acid change (arginine 677 retained).
Molecular consequence: synonymous variant.
Genome position (GRCh38, 1-based): chr2:211,630,510, C>T on the plus strand (G>A on the coding strand, the complement: ERBB4 is on the minus strand). VCF-style: chr2-211630510-C-T. GRCh37 (hg19) VCF-style: chr2-212495235-C-T.
Other names: c.2031G>A, p.Arg677= (NM_001042599.2).
Identifiers: ClinVar variation 3032256 (VCV003032256.2), dbSNP rs781014963, ClinGen allele CA2087885.

ClinVar aggregate classification (germline): Likely benign (0 of 4 stars; one submission).

Conditions:
ERBB4-related disorder. Also called: ERBB4-related condition.

Allele frequency attached by ClinVar (database versions not stated): gnomAD exomes below 0.00001; ExAC 0.00001.
gnomAD v4.1: 6 of 1,613,378 alleles (0.00037%); highest among the groups gnomAD compares: South Asian, 0.0044%; no homozygotes.

Submission:

PreventionGenetics, part of Exact Sciences
Classification: Likely benign for ERBB4-related condition. Last evaluated: 2023-05-01. Review status: no assertion criteria provided. Collection method: clinical testing. Allele origin: germline.
Comment: This variant is classified as likely benign based on ACMG/AMP sequence variant interpretation guidelines (Richards et al. 2015 PMID: 25741868, with internal and published modifications).